The following is an entry in ClinVar:

NM_001164508.2(NEB):c.20228G>A (p.Arg6743His)

Gene: NEB (nebulin; minus strand). Cytogenetic location: 2q23.3.
Variant type: single nucleotide variant.
Coding change: c.20228G>A on transcript NM_001164508.2 (MANE Select); coding-DNA position 20228, G replaced by A.
Protein change: p.Arg6743His; replaces arginine 6743 with histidine.
Molecular consequence: missense variant.
Genome position (GRCh38, 1-based): chr2:151,547,668, C>T on the plus strand (G>A on the coding strand, the complement: NEB is on the minus strand). VCF-style: chr2-151547668-C-T. GRCh37 (hg19) VCF-style: chr2-152404182-C-T.
Other names: c.20228G>A, p.Arg6743His (NM_001164507.2, NM_001271208.2); c.15125G>A, p.Arg5042His (NM_004543.5); short protein forms R5042H, R6743H.
Identifiers: ClinVar variation 331435 (VCV000331435.18), dbSNP rs755370356, ClinGen allele CA1907386.

ClinVar aggregate classification (germline): Conflicting classifications of pathogenicity. Review status: criteria provided, conflicting classifications (1 of 4 stars). 5 submissions from 5 submitters: Uncertain significance (3); Likely benign (1). 1 of the submissions does not count toward it. Last evaluated 2025-03-10.

Conditions:
Nemaline myopathy 2 (NEM2). Also called: Nemaline myopathy 2, autosomal recessive. Identifiers: MedGen C1850569, MONDO:0009725, OMIM 256030.

Allele frequency attached by ClinVar (database versions not stated): TOPMed 0.00001; gnomAD 0.00006.
gnomAD v4.1: 20 of 1,613,598 alleles (0.0012%); highest among the groups gnomAD compares: East Asian, 0.0045%; no homozygotes.

Submissions (5):

Labcorp Genetics (formerly Invitae), Labcorp
Classification: Likely benign for Nemaline myopathy 2. Last evaluated: 2025-03-10. Review status: criteria provided, single submitter. Criteria: Invitae Variant Classification Sherloc (09022015). Collection method: clinical testing. Allele origin: germline.

Revvity Omics, Revvity
Classification: Uncertain significance. Last evaluated: 2019-07-05. Review status: criteria provided, single submitter. Criteria: ACMG Guidelines, 2015. Collection method: clinical testing. Allele origin: germline.

Baylor Genetics
Classification: Uncertain significance for Nemaline myopathy 2. Last evaluated: 2019-03-13. Review status: criteria provided, single submitter. Criteria: ACMG Guidelines, 2015. Collection method: clinical testing. Allele origin: paternal. Affected: yes.
Comment: This variant was determined to be of uncertain significance according to ACMG Guidelines, 2015 [PMID:25741868].

Illumina Laboratory Services, Illumina
Classification: Uncertain significance for Nemaline myopathy 2. Last evaluated: 2018-01-12. Review status: criteria provided, single submitter. Criteria: ICSL Variant Classification Criteria 13 December 2019. Collection method: clinical testing. Allele origin: germline.

Natera, Inc.
Classification: Uncertain significance for Nemaline myopathy type 2. Last evaluated: 2020-02-21. Review status: no assertion criteria provided. Collection method: clinical testing. Allele origin: germline. Not counted in ClinVar's aggregate classification.